The following is an entry in ClinVar:

NM_024408.4(NOTCH2):c.3108T>A (p.Asn1036Lys)

Gene: NOTCH2 (notch receptor 2; minus strand). Cytogenetic location: 1p12.
Variant type: single nucleotide variant.
Coding change: c.3108T>A on transcript NM_024408.4 (MANE Select); coding-DNA position 3108, T replaced by A.
Protein change: p.Asn1036Lys; replaces asparagine 1036 with lysine.
Molecular consequence: missense variant.
Genome position (GRCh38, 1-based): chr1:119,940,630, A>T on the plus strand (T>A on the coding strand, the complement: NOTCH2 is on the minus strand). VCF-style: chr1-119940630-A-T. GRCh37 (hg19) VCF-style: chr1-120483253-A-T.
Other names: c.3108T>A, p.Asn1036Lys (NM_001200001.2); short protein forms N1036K.
Identifiers: ClinVar variation 4772996 (VCV004772996.1).
Genomic context (GRCh38, chr1:119,940,630, plus strand): 5'-AGTGTAGCCCAGGGGGCAGCTGCAGCGGTAGGTACCCAGGCCATCAACACACGTTCCCTC[A>T]TTCAGGCATGGATGAGAGCTGCATTCATTGATCTCATGGAGGCAGAAGGATCCAGTGAAA-3'
Protein context (NP_077719.2, residues 1026-1046): INECSSHPCL[Asn1036Lys]EGTCVDGLGT

ClinVar aggregate classification (germline): Uncertain significance (1 of 4 stars; one submission).

Conditions:
Hajdu-Cheney syndrome (HJCYS). Also called: ACROOSTEOLYSIS WITH OSTEOPOROSIS AND CHANGES IN SKULL AND MANDIBLE; SERPENTINE FIBULA-POLYCYSTIC KIDNEY SYNDROME; Acroosteolysis dominant type. Identifiers: Orphanet 955, MedGen C0917715, MONDO:0007057, OMIM 102500.

Submission:

Labcorp Genetics (formerly Invitae), Labcorp
Classification: Uncertain significance for Hajdu-Cheney syndrome. Last evaluated: 2025-09-26. Review status: criteria provided, single submitter. Criteria: Invitae Variant Classification Sherloc (09022015). Collection method: clinical testing. Allele origin: germline.
Comment: This sequence change replaces asparagine, which is neutral and polar, with lysine, which is basic and polar, at codon 1036 of the NOTCH2 protein (p.Asn1036Lys). This variant is not present in population databases (gnomAD no frequency). This variant has not been reported in the literature in individuals affected with NOTCH2-related conditions. Invitae Evidence Modeling of protein sequence and biophysical properties (such as structural, functional, and spatial information, amino acid conservation, physicochemical variation, residue mobility, and thermodynamic stability) indicates that this missense variant is not expected to disrupt NOTCH2 protein function with a negative predictive value of 80%. In summary, the available evidence is currently insufficient to determine the role of this variant in disease. Therefore, it has been classified as a Variant of Uncertain Significance.